The following is an entry in ClinVar:

NM_001267550.2(TTN):c.47848G>A (p.Gly15950Ser)

Genes: TTN (titin; minus strand), TTN-AS1 (TTN antisense RNA 1; plus strand). Cytogenetic location: 2q31.2.
Variant type: single nucleotide variant.
Coding change: c.47848G>A on transcript NM_001267550.2 (MANE Select); coding-DNA position 47848, G replaced by A.
Protein change: p.Gly15950Ser; replaces glycine 15950 with serine.
Molecular consequence: missense variant.
Genome position (GRCh38, 1-based): chr2:178,617,147, C>T on the plus strand (G>A on the coding strand, the complement: TTN is on the minus strand). VCF-style: chr2-178617147-C-T. GRCh37 (hg19) VCF-style: chr2-179481874-C-T.
Other names: c.42925G>A, p.Gly14309Ser (NM_001256850.1); c.20653G>A, p.Gly6885Ser (NM_003319.4); c.40144G>A, p.Gly13382Ser (NM_133378.4); c.21028G>A, p.Gly7010Ser (NM_133432.3); c.21229G>A, p.Gly7077Ser (NM_133437.4); short protein forms G15950S, G7077S, G13382S, G14309S, G7010S, G6885S.
Identifiers: ClinVar variation 1785281 (VCV001785281.2), dbSNP rs2470836338, ClinGen allele CA349613078.
Genomic context (GRCh38, chr2:178,617,147, plus strand): 5'-ATTCCCCGATCTAAAAATAAAATATCTATTTACCAAATGCATCGTCAGCGGTGAGAGGAC[C>T]AAGAATTTCAGATGGATCTGAAACACCAGCTTTATTTTCTGCAGATACTCTATATAAATA-3'
Protein context (NP_001254479.2, residues 15940-15960): AGVSDPSEIL[Gly15950Ser]PLTADDAFVE

ClinVar aggregate classification (germline): Uncertain significance (1 of 4 stars; one submission).

Conditions:
Cardiovascular phenotype. Identifiers: MedGen CN230736.

Allele frequency attached by ClinVar (database versions not stated): gnomAD exomes below 0.00001.
gnomAD v4.1: 1 of 1,607,878 alleles (0.000062%); highest among the groups gnomAD compares: South Asian, 0.0011%; no homozygotes.

Submission:

Ambry Genetics
Classification: Uncertain significance for Cardiovascular phenotype. Last evaluated: 2019-10-29. Review status: criteria provided, single submitter. Criteria: Ambry Variant Classification Scheme 2023. Collection method: clinical testing. Allele origin: germline.
Comment: The p.G6885S variant (also known as c.20653G>A), located in coding exon 82 of the TTN gene, results from a G to A substitution at nucleotide position 20653. The glycine at codon 6885 is replaced by serine, an amino acid with similar properties. This amino acid position is highly conserved in available vertebrate species. In addition, this alteration is predicted to be tolerated by in silico analysis. Since supporting evidence is limited at this time, the clinical significance of this alteration remains unclear.